The following is an entry in ClinVar:

NM_001458.5(FLNC):c.736G>A (p.Asp246Asn)

Gene: FLNC (filamin C; plus strand). Cytogenetic location: 7q32.1.
Variant type: single nucleotide variant.
Coding change: c.736G>A on transcript NM_001458.5 (MANE Select); coding-DNA position 736, G replaced by A.
Protein change: p.Asp246Asn; replaces aspartic acid 246 with asparagine.
Molecular consequence: missense variant.
Genome position (GRCh38, 1-based): chr7:128,837,434, G>A. VCF-style: chr7-128837434-G-A. GRCh37 (hg19) VCF-style: chr7-128477488-G-A.
Other names: c.736G>A, p.Asp246Asn (NM_001127487.2); short protein forms D246N.
Identifiers: ClinVar variation 2565502 (VCV002565502.2), dbSNP rs2536618298, ClinGen allele CA369222070.

ClinVar aggregate classification (germline): Uncertain significance (1 of 4 stars; one submission).

Conditions:
Cardiovascular phenotype. Identifiers: MedGen CN230736.

Submission:

Ambry Genetics
Classification: Uncertain significance for Cardiovascular phenotype. Last evaluated: 2023-03-16. Review status: criteria provided, single submitter. Criteria: Ambry Variant Classification Scheme 2023. Collection method: clinical testing. Allele origin: germline.
Comment: The p.D246N variant (also known as c.736G>A), located in coding exon 4 of the FLNC gene, results from a G to A substitution at nucleotide position 736. The aspartic acid at codon 246 is replaced by asparagine, an amino acid with highly similar properties. This amino acid position is conserved. In addition, the in silico prediction for this alteration is inconclusive. Since supporting evidence is limited at this time, the clinical significance of this alteration remains unclear.